The following is an entry in ClinVar:

NM_152383.5(DIS3L2):c.*103A>G

Gene: DIS3L2 (DIS3 like 3'-5' exoribonuclease 2; plus strand). Cytogenetic location: 2q37.1.
Variant type: single nucleotide variant.
Coding change: c.*103A>G on transcript NM_152383.5 (MANE Select); 103 bases downstream of the stop codon, A replaced by G.
Molecular consequence: 3 prime UTR variant. On other transcripts: non-coding transcript variant (2), intron variant (1).
Genome position (GRCh38, 1-based): chr2:232,336,733, A>G. VCF-style: chr2-232336733-A-G. GRCh37 (hg19) VCF-style: chr2-233201443-A-G.
Other names: NC_000002.11:g.233201443A>G; c.1582-6612A>G (NM_001257281.2).
Identifiers: ClinVar variation 334952 (VCV000334952.10), dbSNP rs113002914, ClinGen allele CA2164685.

ClinVar aggregate classification (germline): Benign. Review status: criteria provided, multiple submitters, no conflicts (2 of 4 stars). 3 submissions from 3 submitters: Benign (3). Last evaluated 2019-04-03.

Conditions:
Perlman syndrome (PRLMNS). Identifiers: Orphanet 2849, MedGen C0796113, MONDO:0009965, OMIM 267000.

Allele frequency attached by ClinVar (database versions not stated): gnomAD exomes 0.03136 and 0.03423; ExAC 0.03529; 1000 Genomes Project 0.03894; 1000 Genomes Project 30x 0.04201; gnomAD 0.04663 and 0.04858; TOPMed 0.04874.
gnomAD v4.1: 49,384 of 1,493,832 alleles (3.3%); highest among the groups gnomAD compares: African/African-American, 8.8%; 1,019 homozygotes.

Submissions (18):

GeneDx
Classification: Benign. Last evaluated: 2019-04-03. Review status: criteria provided, single submitter. Criteria: GeneDx Variant Classification Process June 2021. Collection method: clinical testing. Allele origin: germline. Affected: yes.

Illumina Laboratory Services, Illumina
Classification: Benign for Perlman syndrome. Last evaluated: 2018-01-13. Review status: criteria provided, single submitter. Criteria: ICSL Variant Classification Criteria 13 December 2019. Collection method: clinical testing. Allele origin: germline.
Comment: This variant was observed in the ICSL laboratory as part of a predisposition screen in an ostensibly healthy population. It had not been previously curated by ICSL or reported in the Human Gene Mutation Database (HGMD: prior to June 1st, 2018), and was therefore a candidate for classification through an automated scoring system. Utilizing variant allele frequency, disease prevalence and penetrance estimates, and inheritance mode, an automated score was calculated to assess if this variant is too frequent to cause the disease. Based on the score and internal cut-off values, a variant classified as benign is not then subjected to further curation. The score for this variant resulted in a classification of benign for this disease.

Breakthrough Genomics
Classification: Benign. Review status: criteria provided, single submitter. Criteria: ACMG Guidelines, 2015. Collection method: not provided. Allele origin: germline. Inheritance: Autosomal recessive inheritance. Affected: yes.

Dr. Peter K. Rogan Lab, Western University
No classification provided (evidence only). Condition: Acute myeloid leukemia. Review status: no classification provided. Collection method: in vitro. Allele origin: not applicable. Functional consequence: retained intron. Not counted in ClinVar's aggregate classification.

Dr. Peter K. Rogan Lab, Western University
No classification provided (evidence only). Condition: Thyroid cancer, nonmedullary, 1. Review status: no classification provided. Collection method: in vitro. Allele origin: not applicable. Functional consequence: retained intron. Not counted in ClinVar's aggregate classification.

Dr. Peter K. Rogan Lab, Western University
No classification provided (evidence only). Condition: Cervical cancer. Review status: no classification provided. Collection method: in vitro. Allele origin: not applicable. Functional consequence: retained intron. Not counted in ClinVar's aggregate classification.

Dr. Peter K. Rogan Lab, Western University
No classification provided (evidence only). Condition: Cervical cancer. Review status: no classification provided. Collection method: in vitro. Allele origin: not applicable. Functional consequence: retained intron. Not counted in ClinVar's aggregate classification.

Dr. Peter K. Rogan Lab, Western University
No classification provided (evidence only). Condition: Sarcoma. Review status: no classification provided. Collection method: in vitro. Allele origin: not applicable. Functional consequence: retained intron. Not counted in ClinVar's aggregate classification.

Dr. Peter K. Rogan Lab, Western University
No classification provided (evidence only). Condition: Nonpapillary renal cell carcinoma. Review status: no classification provided. Collection method: in vitro. Allele origin: not applicable. Functional consequence: retained intron. Not counted in ClinVar's aggregate classification.

Dr. Peter K. Rogan Lab, Western University
No classification provided (evidence only). Condition: Malignant tumor of esophagus. Review status: no classification provided. Collection method: in vitro. Allele origin: not applicable. Functional consequence: retained intron. Not counted in ClinVar's aggregate classification.

Dr. Peter K. Rogan Lab, Western University
No classification provided (evidence only). Condition: Malignant tumor of esophagus. Review status: no classification provided. Collection method: in vitro. Allele origin: not applicable. Functional consequence: retained intron. Not counted in ClinVar's aggregate classification.

Dr. Peter K. Rogan Lab, Western University
No classification provided (evidence only). Condition: Chronic lymphocytic leukemia/small lymphocytic lymphoma. Review status: no classification provided. Collection method: in vitro. Allele origin: not applicable. Functional consequence: retained intron. Not counted in ClinVar's aggregate classification.

Dr. Peter K. Rogan Lab, Western University
No classification provided (evidence only). Condition: Familial pancreatic carcinoma. Review status: no classification provided. Collection method: in vitro. Allele origin: not applicable. Functional consequence: retained intron. Not counted in ClinVar's aggregate classification.

Dr. Peter K. Rogan Lab, Western University
No classification provided (evidence only). Condition: Familial pancreatic carcinoma. Review status: no classification provided. Collection method: in vitro. Allele origin: not applicable. Functional consequence: retained intron. Not counted in ClinVar's aggregate classification.

Dr. Peter K. Rogan Lab, Western University
No classification provided (evidence only). Condition: Familial pancreatic carcinoma. Review status: no classification provided. Collection method: in vitro. Allele origin: not applicable. Functional consequence: retained intron. Not counted in ClinVar's aggregate classification.

Dr. Peter K. Rogan Lab, Western University
No classification provided (evidence only). Condition: Familial pancreatic carcinoma. Review status: no classification provided. Collection method: in vitro. Allele origin: not applicable. Functional consequence: retained intron. Not counted in ClinVar's aggregate classification.

Dr. Peter K. Rogan Lab, Western University
No classification provided (evidence only). Condition: Ovarian cancer. Review status: no classification provided. Collection method: in vitro. Allele origin: not applicable. Functional consequence: retained intron. Not counted in ClinVar's aggregate classification.

Dr. Peter K. Rogan Lab, Western University
No classification provided (evidence only). Condition: Ovarian cancer. Review status: no classification provided. Collection method: in vitro. Allele origin: not applicable. Functional consequence: retained intron. Not counted in ClinVar's aggregate classification.